The following is an entry in ClinVar:

NM_000138.5(FBN1):c.4561C>G (p.Pro1521Ala)

Gene: FBN1 (fibrillin 1; minus strand). Cytogenetic location: 15q21.1.
Variant type: single nucleotide variant.
Coding change: c.4561C>G on transcript NM_000138.5 (MANE Select); coding-DNA position 4561, C replaced by G.
Protein change: p.Pro1521Ala; replaces proline 1521 with alanine.
Molecular consequence: missense variant.
Genome position (GRCh38, 1-based): chr15:48,468,433, G>C on the plus strand (C>G on the coding strand, the complement: FBN1 is on the minus strand). VCF-style: chr15-48468433-G-C. GRCh37 (hg19) VCF-style: chr15-48760630-G-C.
Other names: c.4561C>G, p.Pro1521Ala (NM_001406716.1); short protein forms P1521A.
Identifiers: ClinVar variation 3277955 (VCV003277955.3).
Genomic context (GRCh38, chr15:48,468,433, plus strand): 5'-CAGTATGCTTGCTTCTCTGAAAAGTTTTTAAGGTCTTACCAACACAGCCAACTCGAGTTG[G>C]GTTCAGTTCAAAATCAGGTGGGCAGTCACAGATATAGCTGCCTGGAGTGTTGACACAGTT-3'
Protein context (NP_000129.3, residues 1511-1531): CDCPPDFELN[Pro1521Ala]TRVGCVDTRS

ClinVar aggregate classification (germline): Uncertain significance. Review status: criteria provided, multiple submitters, no conflicts (2 of 4 stars). 2 submissions from 2 submitters: Uncertain significance (2). Last evaluated 2026-04-17.

Conditions:
Familial thoracic aortic aneurysm and aortic dissection (TAAD). Also called: Thoracic aortic aneurysms and dissections. Identifiers: Orphanet 91387, MedGen C4707243, MONDO:0019625.

Submissions (2):

GeneDx
Classification: Uncertain significance. Last evaluated: 2026-04-17. Review status: criteria provided, single submitter. Criteria: GeneDx Variant Classification Process June 2021. Collection method: clinical testing. Allele origin: germline.
Comment: Not observed at significant frequency in large population cohorts (gnomAD); In silico analysis supports that this missense variant has a deleterious effect on protein structure/function; Does not affect a cysteine or calcium-binding residue within an EGF-like domain or a TGF-binding protein domain of the FBN1 gene; cysteine substitutions in the EGF-like domains represent the majority of pathogenic missense changes associated with FBN1-related disorders (PMID: 12938084); Has not been previously published as pathogenic or benign to our knowledge; This variant is associated with the following publications: (PMID: 12938084)

Ambry Genetics
Classification: Uncertain significance for Familial thoracic aortic aneurysm and aortic dissection. Last evaluated: 2024-06-12. Review status: criteria provided, single submitter. Criteria: Ambry Variant Classification Scheme 2023. Collection method: clinical testing. Allele origin: germline.
Comment: The p.P1521A variant (also known as c.4561C>G), located in coding exon 36 of the FBN1 gene, results from a C to G substitution at nucleotide position 4561. The proline at codon 1521 is replaced by alanine, an amino acid with highly similar properties. This amino acid position is highly conserved in available vertebrate species. In addition, this alteration is predicted to be deleterious by in silico analysis. Based on the available evidence, the clinical significance of this variant remains unclear.